The following is an entry in ClinVar:

NM_001089.3(ABCA3):c.3386A>G (p.His1129Arg)

Gene: ABCA3 (ATP binding cassette subfamily A member 3; minus strand). Cytogenetic location: 16p13.3.
Variant type: single nucleotide variant.
Coding change: c.3386A>G on transcript NM_001089.3 (MANE Select); coding-DNA position 3386, A replaced by G.
Protein change: p.His1129Arg; replaces histidine 1129 with arginine.
Molecular consequence: missense variant.
Genome position (GRCh38, 1-based): chr16:2,285,539, T>C on the plus strand (A>G on the coding strand, the complement: ABCA3 is on the minus strand). VCF-style: chr16-2285539-T-C. GRCh37 (hg19) VCF-style: chr16-2335540-T-C.
Other names: short protein forms H1129R.
Identifiers: ClinVar variation 1465533 (VCV001465533.5), dbSNP rs1446080254, ClinGen allele CA394316793.

ClinVar aggregate classification (germline): Uncertain significance. Review status: criteria provided, multiple submitters, no conflicts (2 of 4 stars). 2 submissions from 2 submitters: Uncertain significance (2). Last evaluated 2022-10-17.

Conditions:
Interstitial lung disease due to ABCA3 deficiency. Also called: PULMONARY ALVEOLAR PROTEINOSIS, CONGENITAL, 3. Identifiers: Orphanet 440402, MedGen C1970456, MONDO:0012582, OMIM 610921.

Allele frequency attached by ClinVar (database versions not stated): gnomAD exomes 0.00002.
gnomAD v4.1: 27 of 1,600,984 alleles (0.0017%); highest among the groups gnomAD compares: East Asian, 0.0023%; no homozygotes.

Submissions (2):

Labcorp Genetics (formerly Invitae), Labcorp
Classification: Uncertain significance. Last evaluated: 2022-10-17. Review status: criteria provided, single submitter. Criteria: Invitae Variant Classification Sherloc (09022015). Collection method: clinical testing. Allele origin: germline.
Comment: This sequence change replaces histidine, which is basic and polar, with arginine, which is basic and polar, at codon 1129 of the ABCA3 protein (p.His1129Arg). This variant is not present in population databases (gnomAD no frequency). This variant has not been reported in the literature in individuals affected with ABCA3-related conditions. ClinVar contains an entry for this variant (Variation ID: 1465533). Advanced modeling of protein sequence and biophysical properties (such as structural, functional, and spatial information, amino acid conservation, physicochemical variation, residue mobility, and thermodynamic stability) performed at Invitae indicates that this missense variant is expected to disrupt ABCA3 protein function. In summary, the available evidence is currently insufficient to determine the role of this variant in disease. Therefore, it has been classified as a Variant of Uncertain Significance.

Juno Genomics, Hangzhou Juno Genomics, Inc
Classification: Uncertain significance for Interstitial lung disease due to ABCA3 deficiency. Review status: criteria provided, single submitter. Criteria: ACMG Guidelines, 2015. Collection method: clinical testing. Allele origin: germline.
Comment: Absent from controls (or at extremely low frequency if recessive) in Genome Aggregation Database.;Multiple lines of computational evidence support a deleterious effect on the gene or gene product.